The following is an entry in ClinVar:

ClinVar aggregate classification (germline): Uncertain significance. Review status: criteria provided, multiple submitters, no conflicts (2 of 4 stars). 2 submissions from 2 submitters: Uncertain significance (2). Last evaluated 2025-01-10.

Conditions:
MYO18B-related disorder. Also called: MYO18B-related condition.

Allele frequency attached by ClinVar (database versions not stated): gnomAD 0.00002 and 0.00003; TOPMed 0.00002; gnomAD exomes 0.00003 and 0.00005; ExAC 0.00005.
gnomAD v4.1: 57 of 1,613,882 alleles (0.0035%); highest among the groups gnomAD compares: South Asian, 0.029%; no homozygotes.

Submissions (2):

PreventionGenetics, part of Exact Sciences
Classification: Uncertain significance for MYO18B-related condition. Last evaluated: 2025-01-10. Review status: criteria provided, single submitter. Criteria: ACMG Guidelines, 2015. Collection method: clinical testing. Allele origin: germline.
Comment: The MYO18B c.2860C>A variant is predicted to result in the amino acid substitution p.His954Asn. To our knowledge, this variant has not been reported in the literature. This variant is reported in 0.033% of alleles in individuals of South Asian descent in gnomAD. At this time, the clinical significance of this variant is uncertain due to the absence of conclusive functional and genetic evidence.

Labcorp Genetics (formerly Invitae), Labcorp
Classification: Uncertain significance. Last evaluated: 2022-03-18. Review status: criteria provided, single submitter. Criteria: Invitae Variant Classification Sherloc (09022015). Collection method: clinical testing. Allele origin: germline.
Comment: This sequence change replaces histidine, which is basic and polar, with asparagine, which is neutral and polar, at codon 954 of the MYO18B protein (p.His954Asn). This variant is present in population databases (rs747394426, gnomAD 0.04%). This variant has not been reported in the literature in individuals affected with MYO18B-related conditions. Algorithms developed to predict the effect of missense changes on protein structure and function are either unavailable or do not agree on the potential impact of this missense change (SIFT: "Not Available"; PolyPhen-2: "Probably Damaging"; Align-GVGD: "Not Available"). In summary, the available evidence is currently insufficient to determine the role of this variant in disease. Therefore, it has been classified as a Variant of Uncertain Significance.

NM_032608.7(MYO18B):c.2860C>A (p.His954Asn)

Gene: MYO18B (myosin XVIIIB; plus strand). Cytogenetic location: 22q12.1.
Variant type: single nucleotide variant.
Coding change: c.2860C>A on transcript NM_032608.7 (MANE Select); coding-DNA position 2860, C replaced by A.
Protein change: p.His954Asn; replaces histidine 954 with asparagine.
Molecular consequence: missense variant.
Genome position (GRCh38, 1-based): chr22:25,828,849, C>A. VCF-style: chr22-25828849-C-A. GRCh37 (hg19) VCF-style: chr22-26224816-C-A.
Other names: c.2860C>A, p.His954Asn (NM_001318245.2); c.2860C>A (NM_032608.6); short protein forms H954N.
Identifiers: ClinVar variation 1359193 (VCV001359193.4), dbSNP rs747394426, ClinGen allele CA10160354.
Genomic context (GRCh38, chr22:25,828,849, plus strand): 5'-CACCATCTCTCCATGGCCTCCATCATGGTGGTGGACTCTCCAGGCTTCCAGAACCCCCGG[C>A]ACCAGGGCAAGGACCGGGCGGCCACCTTTGAGGAGCTGTGCCACAACTACGCCCATGAGC-3'
Protein context (NP_115997.5, residues 944-964): VDSPGFQNPR[His954Asn]QGKDRAATFE